The following is an entry in ClinVar:

ClinVar aggregate classification (germline): Uncertain significance. Review status: criteria provided, multiple submitters, no conflicts (2 of 4 stars). 3 submissions from 3 submitters: Uncertain significance (3). Last evaluated 2026-01-19.

Conditions:
Nephronophthisis. Also called: Juvenile Nephronophthisis. Identifiers: Orphanet 655, MedGen C0687120, MONDO:0019005, HP:0000090.
Inborn genetic diseases. Identifiers: MedGen C0950123, MeSH D030342.

Allele frequency attached by ClinVar (database versions not stated): gnomAD 0.00001; TOPMed 0.00001; ExAC 0.00002; gnomAD exomes 0.00002 and 0.00008; 1000 Genomes Project 30x 0.00016; 1000 Genomes Project 0.00020.

Submissions (3):

Labcorp Genetics (formerly Invitae), Labcorp
Classification: Uncertain significance for Nephronophthisis. Last evaluated: 2026-01-19. Review status: criteria provided, single submitter. Criteria: Invitae Variant Classification Sherloc (09022015). Collection method: clinical testing. Allele origin: germline.
Comment: This sequence change replaces proline, which is neutral and non-polar, with serine, which is neutral and polar, at codon 1198 of the NPHP3 protein (p.Pro1198Ser). This variant is present in population databases (rs550670844, gnomAD 0.06%). This variant has not been reported in the literature in individuals affected with NPHP3-related conditions. ClinVar contains an entry for this variant (Variation ID: 392050). Invitae Evidence Modeling of protein sequence and biophysical properties (such as structural, functional, and spatial information, amino acid conservation, physicochemical variation, residue mobility, and thermodynamic stability) indicates that this missense variant is not expected to disrupt NPHP3 protein function with a negative predictive value of 80%. In summary, the available evidence is currently insufficient to determine the role of this variant in disease. Therefore, it has been classified as a Variant of Uncertain Significance.

Ambry Genetics
Classification: Uncertain significance for Inborn genetic diseases. Last evaluated: 2025-10-30. Review status: criteria provided, single submitter. Criteria: Ambry Variant Classification Scheme 2023. Collection method: clinical testing. Allele origin: germline.

GeneDx
Classification: Uncertain significance. Last evaluated: 2020-01-28. Review status: criteria provided, single submitter. Criteria: GeneDx Variant Classification Process June 2021. Collection method: clinical testing. Allele origin: germline. Affected: yes.
Comment: In silico analysis, which includes protein predictors and evolutionary conservation, supports a deleterious effect; Has not been previously published as pathogenic or benign to our knowledge

NM_153240.5(NPHP3):c.3592C>T (p.Pro1198Ser)

Genes: NPHP3 (nephrocystin 3; minus strand), NPHP3-ACAD11 (NPHP3-ACAD11 readthrough (NMD candidate); minus strand). Cytogenetic location: 3q22.1.
Variant type: single nucleotide variant.
Coding change: c.3592C>T on transcript NM_153240.5 (MANE Select); coding-DNA position 3592, C replaced by T.
Protein change: p.Pro1198Ser; replaces proline 1198 with serine.
Molecular consequence: missense variant. On other transcripts: non-coding transcript variant (1).
Genome position (GRCh38, 1-based): chr3:132,683,503, G>A on the plus strand (C>T on the coding strand, the complement: NPHP3 is on the minus strand). VCF-style: chr3-132683503-G-A. GRCh37 (hg19) VCF-style: chr3-132402347-G-A.
Other names: short protein forms P1198S.
Identifiers: ClinVar variation 392050 (VCV000392050.13), dbSNP rs550670844, ClinGen allele CA2621697.
Genomic context (GRCh38, chr3:132,683,503, plus strand): 5'-CACTAGGGTGCTTTGGGCCAAAAGATTTCTGTCGAATTTCAACAGCCAATTCATACAAAG[G>A]TACAGCTTTGTCAAGTTTCCCCTAAAAAACAAGAGTTAAATCTAACAAAAATATAAGGCA-3'
Protein context (NP_694972.3, residues 1188-1208): KKMGKLDKAV[Pro1198Ser]LYELAVEIRQ